The following is an entry in ClinVar:

ClinVar aggregate classification (germline): Uncertain significance (1 of 4 stars; one submission).

Allele frequency attached by ClinVar (database versions not stated): gnomAD exomes below 0.00001; TOPMed below 0.00001; ExAC 0.00001; gnomAD 0.00001; ESP Exome Variant Server 0.00008.

Submission:

Labcorp Genetics (formerly Invitae), Labcorp
Classification: Uncertain significance. Last evaluated: 2022-06-01. Review status: criteria provided, single submitter. Criteria: Invitae Variant Classification Sherloc (09022015). Collection method: clinical testing. Allele origin: germline.
Comment: This sequence change replaces isoleucine, which is neutral and non-polar, with valine, which is neutral and non-polar, at codon 75 of the RHO protein (p.Ile75Val). This variant is present in population databases (rs367633279, gnomAD 0.002%). This variant has not been reported in the literature in individuals affected with RHO-related conditions. Algorithms developed to predict the effect of missense changes on protein structure and function are either unavailable or do not agree on the potential impact of this missense change (SIFT: "Deleterious"; PolyPhen-2: "Probably Damaging"; Align-GVGD: "Class C0"). In summary, the available evidence is currently insufficient to determine the role of this variant in disease. Therefore, it has been classified as a Variant of Uncertain Significance.

NM_000539.3(RHO):c.223A>G (p.Ile75Val)

Gene: RHO (rhodopsin; plus strand). Cytogenetic location: 3q22.1.
Variant type: single nucleotide variant.
Coding change: c.223A>G on transcript NM_000539.3 (MANE Select); coding-DNA position 223, A replaced by G.
Protein change: p.Ile75Val; replaces isoleucine 75 with valine.
Molecular consequence: missense variant.
Genome position (GRCh38, 1-based): chr3:129,528,956, A>G. VCF-style: chr3-129528956-A-G. GRCh37 (hg19) VCF-style: chr3-129247799-A-G.
Other names: short protein forms I75V.
Identifiers: ClinVar variation 2001823 (VCV002001823.4), dbSNP rs367633279, ClinGen allele CA2607093.